The following is an entry in ClinVar:

ClinVar aggregate classification (germline): Uncertain significance (1 of 4 stars; one submission).

Conditions:
Autosomal dominant limb-girdle muscular dystrophy type 1D (DNAJB6) (LGMDD1). Also called: MUSCULAR DYSTROPHY, LIMB-GIRDLE, TYPE 1D; MUSCULAR DYSTROPHY, AUTOSOMAL DOMINANT, WITH RIMMED VACUOLES; Autosomal dominant limb-girdle muscular dystrophy type 1D; Muscular dystrophy, limb-girdle, autosomal dominant 1. Identifiers: Orphanet 34516, MedGen C4721885, MONDO:0021018, OMIM 603511.

Submission:

Labcorp Genetics (formerly Invitae), Labcorp
Classification: Uncertain significance for Autosomal dominant limb-girdle muscular dystrophy type 1D (DNAJB6). Last evaluated: 2025-12-01. Review status: criteria provided, single submitter. Criteria: Invitae Variant Classification Sherloc (09022015). Collection method: clinical testing. Allele origin: germline.
Comment: This sequence change replaces alanine, which is neutral and non-polar, with serine, which is neutral and polar, at codon 239 of the DNAJB6 protein (p.Ala239Ser). This variant is not present in population databases (gnomAD no frequency). This variant has not been reported in the literature in individuals affected with DNAJB6-related conditions. ClinVar contains an entry for this variant (Variation ID: 3604462). Invitae Evidence Modeling of protein sequence and biophysical properties (such as structural, functional, and spatial information, amino acid conservation, physicochemical variation, residue mobility, and thermodynamic stability) indicates that this missense variant is not expected to disrupt DNAJB6 protein function with a negative predictive value of 80%. In summary, the available evidence is currently insufficient to determine the role of this variant in disease. Therefore, it has been classified as a Variant of Uncertain Significance.

NM_058246.4(DNAJB6):c.715G>T (p.Ala239Ser)

Gene: DNAJB6 (DnaJ heat shock protein family (Hsp40) member B6; plus strand). Cytogenetic location: 7q36.3.
Variant type: single nucleotide variant.
Coding change: c.715G>T on transcript NM_058246.4 (MANE Select); coding-DNA position 715, G replaced by T.
Protein change: p.Ala239Ser; replaces alanine 239 with serine.
Molecular consequence: missense variant.
Genome position (GRCh38, 1-based): chr7:157,409,818, G>T. VCF-style: chr7-157409818-G-T. GRCh37 (hg19) VCF-style: chr7-157202512-G-T.
Other names: c.370G>T, p.Ala124Ser (NM_001363676.1); short protein forms A124S, A239S.
Identifiers: ClinVar variation 3604462 (VCV003604462.2).